The following is an entry in ClinVar:

ClinVar aggregate classification (germline): Benign. Review status: criteria provided, multiple submitters, no conflicts (2 of 4 stars). 3 submissions from 3 submitters: Benign (3). Last evaluated 2023-11-12.

Allele frequency attached by ClinVar (database versions not stated): 1000 Genomes Project 0.10683; 1000 Genomes Project 30x 0.11056; gnomAD exomes 0.12194.
gnomAD v4.1: 195,657 of 1,602,862 alleles (12%); highest among the groups gnomAD compares: Admixed American, 18%; 12,673 homozygotes.

Submissions (3):

Unidad de Genómica Garrahan, Hospital de Pediatría Garrahan
Classification: Benign. Last evaluated: 2023-11-12. Review status: criteria provided, single submitter. Criteria: ACMG Guidelines, 2015. Collection method: clinical testing. Allele origin: germline. Affected: no. Observed: 29 variant alleles.
Comment: This variant is classified as Benign based on local population frequency. This variant was detected in 30% of patients studied by a panel of primary immunodeficiencies. Number of patients: 29. Only high quality variants are reported.

GeneDx
Classification: Benign. Last evaluated: 2015-03-03. Review status: criteria provided, single submitter. Criteria: GeneDx Variant Classification Process June 2021. Collection method: clinical testing. Allele origin: germline. Affected: yes.

Breakthrough Genomics
Classification: Benign. Review status: criteria provided, single submitter. Criteria: ACMG Guidelines, 2015. Collection method: not provided. Allele origin: germline. Inheritance: Autosomal dominant inheritance. Affected: yes.

NM_001243133.2(NLRP3):c.2492+54C>T

Gene: NLRP3 (NLR family pyrin domain containing 3; plus strand). Cytogenetic location: 1q44.
Variant type: single nucleotide variant.
Coding change: c.2492+54C>T on transcript NM_001243133.2 (MANE Select); 54 bases into the intron after coding-DNA position 2492, C replaced by T.
Molecular consequence: intron variant.
Genome position (GRCh38, 1-based): chr1:247,434,327, C>T. VCF-style: chr1-247434327-C-T. GRCh37 (hg19) VCF-style: chr1-247597629-C-T.
Other names: c.2498+54C>T (NM_004895.5); c.2492+54C>T (NM_001127461.3, NM_001079821.3); c.2321+54C>T (NM_001127462.3, NM_183395.3).
Identifiers: ClinVar variation 1238514 (VCV001238514.6), dbSNP rs72771997, ClinGen allele CA10863641.